The following is an entry in ClinVar:

ClinVar aggregate classification (germline): Pathogenic (1 of 4 stars; one submission).

Conditions:
Hereditary cancer-predisposing syndrome. Also called: Neoplastic Syndromes, Hereditary; Hereditary neoplastic syndrome; Tumor predisposition; Hereditary Cancer Syndrome. Identifiers: Orphanet 140162, MedGen C0027672, MeSH D009386, MONDO:0015356.

Submission:

Ambry Genetics
Classification: Pathogenic for Hereditary cancer-predisposing syndrome. Last evaluated: 2023-01-11. Review status: criteria provided, single submitter. Criteria: Ambry Variant Classification Scheme 2023. Collection method: clinical testing. Allele origin: germline.
Comment: The c.202_203delAT pathogenic mutation, located in coding exon 3 of the ATM gene, results from a deletion of two nucleotides at nucleotide positions 202 to 203, causing a translational frameshift with a predicted alternate stop codon (p.I68Sfs*31). This alteration is expected to result in loss of function by premature protein truncation or nonsense-mediated mRNA decay. As such, this alteration is interpreted as a disease-causing mutation.

NM_000051.4(ATM):c.202_203del (p.Ile68fs)

Gene: ATM (ATM serine/threonine kinase; plus strand). Cytogenetic location: 11q22.3.
Variant type: Microsatellite.
Coding change: c.202_203del on transcript NM_000051.4 (MANE Select); coding-DNA positions 202 to 203, 2 bases deleted (AT; older notation c.202_203delAT).
Protein change: p.Ile68fs; shifts the reading frame from isoleucine 68.
Molecular consequence: frameshift variant.
Genome position (GRCh38, 1-based): chr11:108,229,194-108,229,195, AT deleted; deleting any 2 consecutive bases within chr11:108,229,190-108,229,195 gives the same sequence; the c. name uses the placement nearest the transcript's 3' end. VCF-style (leftmost placement, unchanged base first): chr11-108229189-AAT-A. GRCh37 (hg19) VCF-style: chr11-108099916-AAT-A.
Other names: c.202_203delAT (NM_000051.3); c.198_199AT[2], p.Ile68Serfs (NM_000051.3); c.202_203del, p.Ile68fs (NM_001351834.2, NM_001351835.2, NM_001351836.2); short protein forms I68fs.
Identifiers: ClinVar variation 2453951 (VCV002453951.2), dbSNP rs2496918509, ClinGen allele CA2580616423.